The following is an entry in ClinVar:

ClinVar aggregate classification (germline): Pathogenic (1 of 4 stars; one submission).

Conditions:
Melnick-Fraser syndrome (BOR). Also called: Branchio-oto-renal syndrome; Branchiootorenal Syndrome (BORS); Branchiootorenal syndrome. Identifiers: Orphanet 107, MedGen C0265234, MONDO:0007029.

Submission:

Labcorp Genetics (formerly Invitae), Labcorp
Classification: Pathogenic for Melnick-Fraser syndrome. Last evaluated: 2021-10-12. Review status: criteria provided, single submitter. Criteria: Invitae Variant Classification Sherloc (09022015). Collection method: clinical testing. Allele origin: germline.
Comment: For these reasons, this variant has been classified as Pathogenic. This variant has not been reported in the literature in individuals affected with EYA1-related conditions. This variant is not present in population databases (ExAC no frequency). This sequence change creates a premature translational stop signal (p.Asn395*) in the EYA1 gene. It is expected to result in an absent or disrupted protein product. Loss-of-function variants in EYA1 are known to be pathogenic (PMID: 10464653, 18220287).

Literature cited by the submitters: PubMed 10464653; PubMed 18220287.

NM_000503.6(EYA1):c.1182dup (p.Asn395Ter)

Gene: EYA1 (EYA transcriptional coactivator and phosphatase 1; minus strand). Cytogenetic location: 8q13.3.
Variant type: Duplication.
Coding change: c.1182dup on transcript NM_000503.6 (MANE Select); coding-DNA position 1182, one base duplicated (T; older notation c.1182dupT).
Protein change: p.Asn395Ter; replaces asparagine 395 with a stop codon.
Molecular consequence: nonsense.
Genome position (GRCh38, 1-based): chr8:71,216,982, A duplicated on the plus strand (T on the coding strand, the reverse complement: EYA1 is on the minus strand). VCF-style (leftmost placement, unchanged base first): chr8-71216981-T-TA. GRCh37 (hg19) VCF-style: chr8-72129216-T-TA.
Other names: c.1164dup, p.Asn389Ter (NM_001288574.2, NM_172059.5); c.816dup, p.Asn273Ter (NM_001288575.2); c.1269dup, p.Asn424Ter (NM_001370333.1); c.1182dup, p.Asn395Ter (NM_001370334.1, NM_001370335.1, NM_172058.4); c.1161dup, p.Asn388Ter (NM_001370336.1); short protein forms N395*, N424*, N273*, N388*, N389*.
Identifiers: ClinVar variation 1455041 (VCV001455041.6), dbSNP rs2128854678, ClinGen allele CA2573143312.